The following is an entry in ClinVar:

NM_004329.3(BMPR1A):c.306A>T (p.Lys102Asn)

Gene: BMPR1A (bone morphogenetic protein receptor type 1A; plus strand). Cytogenetic location: 10q23.2.
Variant type: single nucleotide variant.
Coding change: c.306A>T on transcript NM_004329.3 (MANE Select); coding-DNA position 306, A replaced by T.
Protein change: p.Lys102Asn; replaces lysine 102 with asparagine.
Molecular consequence: missense variant.
Genome position (GRCh38, 1-based): chr10:86,892,202, A>T. VCF-style: chr10-86892202-A-T. GRCh37 (hg19) VCF-style: chr10-88651959-A-T.
Other names: c.222A>T, p.Lys74Asn (NM_001406585.1, NM_001406586.1, NM_001406587.1 and 2 more transcripts); c.306A>T, p.Lys102Asn (NM_001406589.1, NM_001406559.1, NM_001406560.1 and 23 more transcripts); short protein forms K102N, K74N.
Identifiers: ClinVar variation 1714183 (VCV001714183.6), dbSNP rs2539446374, ClinGen allele CA377448218.
Genomic context (GRCh38, chr10:86,892,202, plus strand): 5'-CTTTGCCATCATAGAAGAAGATGACCAGGGAGAAACCACATTAGCTTCAGGGTGTATGAA[A>T]TATGAAGGATCTGATTTTCAGTGCAAAGTAAGATATAATTTGGGACCCATGAGACAAAGA-3'
Protein context (NP_004320.2, residues 92-112): GETTLASGCM[Lys102Asn]YEGSDFQCKD

ClinVar aggregate classification (germline): Uncertain significance (1 of 4 stars; one submission).

Conditions:
Juvenile polyposis syndrome (JPS). Identifiers: Orphanet 2929, MedGen C0345893, MONDO:0017380, OMIM 174900.

Submission:

Labcorp Genetics (formerly Invitae), Labcorp
Classification: Uncertain significance for Juvenile polyposis syndrome. Last evaluated: 2022-07-29. Review status: criteria provided, single submitter. Criteria: Invitae Variant Classification Sherloc (09022015). Collection method: clinical testing. Allele origin: germline.
Comment: This variant is not present in population databases (gnomAD no frequency). In summary, the available evidence is currently insufficient to determine the role of this variant in disease. Therefore, it has been classified as a Variant of Uncertain Significance. Advanced modeling of protein sequence and biophysical properties (such as structural, functional, and spatial information, amino acid conservation, physicochemical variation, residue mobility, and thermodynamic stability) performed at Invitae indicates that this missense variant is not expected to disrupt BMPR1A protein function. This variant has not been reported in the literature in individuals affected with BMPR1A-related conditions. This sequence change replaces lysine, which is basic and polar, with asparagine, which is neutral and polar, at codon 102 of the BMPR1A protein (p.Lys102Asn).